The following is an entry in ClinVar:

NM_000642.3(AGL):c.2381dup (p.Asn794fs)

Gene: AGL (amylo-alpha-1,6-glucosidase and 4-alpha-glucanotransferase; plus strand). Cytogenetic location: 1p21.2.
Variant type: Duplication.
Coding change: c.2381dup on transcript NM_000642.3 (MANE Select); coding-DNA position 2381, one base duplicated (A; older notation c.2381dupA).
Protein change: p.Asn794fs; shifts the reading frame from asparagine 794.
Molecular consequence: frameshift variant.
Genome position (GRCh38, 1-based): chr1:99,884,192, A duplicated; the last of 2 consecutive A bases (chr1:99,884,191-99,884,192); duplicating either gives the same sequence. VCF-style (leftmost placement, unchanged base first): chr1-99884190-G-GA. GRCh37 (hg19) VCF-style: chr1-100349746-G-GA.
Other names: c.2381dup, p.Asn794fs (NM_000028.3, NM_000643.3, NM_000644.3 and 2 more transcripts); c.2333dup, p.Asn778fs (NM_000646.3); c.2180dup, p.Asn727fs (NM_001425327.1); c.2177dup, p.Asn726fs (NM_001425328.1, NM_001425329.1); c.2003dup, p.Asn668fs (NM_001425332.1); short protein forms N668fs, N726fs, N727fs, N778fs, N794fs.
Identifiers: ClinVar variation 5011260 (VCV005011260.1).

ClinVar aggregate classification (germline): Pathogenic (1 of 4 stars; one submission).

Conditions:
Glycogen storage disease type III (GSD3). Also called: FORBES DISEASE; Cori disease. Identifiers: Orphanet 366, MedGen C0017922, MONDO:0009291, OMIM 232400.

Submission:

Myriad Genetics, Inc.
Classification: Pathogenic for Glycogen storage disease type III. Last evaluated: 2023-08-07. Review status: criteria provided, single submitter. Criteria: Myriad Autosomal Dominant, Autosomal Recessive and X-Linked Classification Criteria (2023). Collection method: clinical testing. Allele origin: unknown.
Comment: NM_000642.2(AGL):c.2381dupA(N794Kfs*14) is expected to be pathogenic in the context of glycogen storage disease type III. This variant is predicted to lead to an abnormal or absent protein product due to the creation of a premature termination codon in AGL, a gene where loss-of-function variants are known to be pathogenic. Please note: this variant was assessed in the context of healthy population screening.